The following is an entry in ClinVar:

ClinVar aggregate classification (germline): Likely benign (1 of 4 stars; one submission).

gnomAD v4.1: 49 of 1,614,116 alleles (0.003%); highest among the groups gnomAD compares: Admixed American, 0.0083%; no homozygotes.

Submission:

CeGaT Center for Human Genetics Tuebingen
Classification: Likely benign. Last evaluated: 2026-01-01. Review status: criteria provided, single submitter. Criteria: CeGaT Center For Human Genetics Tuebingen Variant Classification Criteria Version 2. Collection method: clinical testing. Allele origin: germline. Affected: yes. Observed: 1 variant allele.
Comment: ZNF142: BP4, BP7

NM_001379659.1(ZNF142):c.4869G>A (p.Pro1623=)

Gene: ZNF142 (zinc finger protein 142; minus strand). Cytogenetic location: 2q35.
Variant type: single nucleotide variant.
Coding change: c.4869G>A on transcript NM_001379659.1 (MANE Select); coding-DNA position 4869, G replaced by A.
Protein change: p.Pro1623=; no amino-acid change (proline 1623 retained).
Molecular consequence: synonymous variant.
Genome position (GRCh38, 1-based): chr2:218,642,247, C>T on the plus strand (G>A on the coding strand, the complement: ZNF142 is on the minus strand). VCF-style: chr2-218642247-C-T. GRCh37 (hg19) VCF-style: chr2-219506970-C-T.
Other names: c.4269G>A, p.Pro1423= (NM_001105537.5, NM_001366291.3, NM_001379662.1); c.3780G>A, p.Pro1260= (NM_001366287.3, NM_001366288.3, NM_001366289.3); c.4869G>A, p.Pro1623= (NM_001366290.3, NM_001379660.1, NM_001379661.1).
Identifiers: ClinVar variation 4821478 (VCV004821478.4).